The following is an entry in ClinVar:

ClinVar aggregate classification (germline): Pathogenic/Likely pathogenic. Review status: criteria provided, multiple submitters, no conflicts (2 of 4 stars). 5 submissions from 5 submitters: Pathogenic (3); Likely pathogenic (1). 1 of the submissions does not count toward it. Last evaluated 2025-03-17.

Conditions:
HGSNAT-related disorders.
Retinitis pigmentosa 73 (RP73). Identifiers: Orphanet 791, MedGen C4225287, MONDO:0014687, OMIM 616544.
Mucopolysaccharidosis, MPS-III-C (MPS3C). Also called: Mucopolysaccharidosis type IIIC (Sanfilippo C); SANFILIPPO SYNDROME C; MUCOPOLYSACCHARIDOSIS, TYPE IIIC; mucopolysaccharidosis type 3C; MPS IIIC (Sanfilippo Syndrome Type C); MPS III C. Identifiers: Orphanet 581, Orphanet 79271, MedGen C0086649, MONDO:0009657, OMIM 252930.
Sanfilippo syndrome. Also called: Sanfilippo disease; Mucopolysaccharidosis type 3; Mucopolysaccharidosis Type III. Identifiers: Orphanet 581, MedGen C0026706, MONDO:0018937.

Allele frequency attached by ClinVar (database versions not stated): gnomAD exomes 0.00001.

Submissions (5):

Labcorp Genetics (formerly Invitae), Labcorp
Classification: Pathogenic for Retinitis pigmentosa 73; Mucopolysaccharidosis, MPS-III-C. Last evaluated: 2025-03-17. Review status: criteria provided, single submitter. Criteria: Invitae Variant Classification Sherloc (09022015). Collection method: clinical testing. Allele origin: germline.
Comment: This sequence change creates a premature translational stop signal (p.Trp316*) in the HGSNAT gene. It is expected to result in an absent or disrupted protein product. Loss-of-function variants in HGSNAT are known to be pathogenic (PMID: 17033958, 19479962, 25859010). This variant is not present in population databases (gnomAD no frequency). This premature translational stop signal has been observed in individual(s) with mucopolysaccharidosis IIIC (PMID: 17033958, 28468868). ClinVar contains an entry for this variant (Variation ID: 553494). For these reasons, this variant has been classified as Pathogenic.

Fulgent Genetics
Classification: Pathogenic for Mucopolysaccharidosis, MPS-III-C; Retinitis pigmentosa 73. Last evaluated: 2024-03-20. Review status: criteria provided, single submitter. Criteria: ACMG Guidelines, 2015. Collection method: clinical testing. Allele origin: germline.

Blueprint Genetics
Classification: Pathogenic for HGSNAT-related disorders. Last evaluated: 2021-11-24. Review status: criteria provided, single submitter. Criteria: ACMG Guidelines, 2015. Collection method: clinical testing. Allele origin: germline. Affected: yes. Observed: 1 variant allele.

Women's Health and Genetics/Laboratory Corporation of America, LabCorp
Classification: Likely pathogenic for Sanfilippo syndrome. Last evaluated: 2020-10-14. Review status: criteria provided, single submitter. Criteria: LabCorp Variant Classification Summary - May 2015. Collection method: clinical testing. Allele origin: germline.
Comment: Variant summary: HGSNAT c.947G>A (p.Trp316X) results in a premature termination codon, predicted to cause a truncation of the encoded protein or absence of the protein due to nonsense mediated decay, which are commonly known mechanisms for disease. Truncations downstream of this position have been classified as pathogenic by our laboratory. The variant was absent in 239666 control chromosomes (gnomAD). c.947G>A has been reported in the literature in individuals affected with Mucopolysaccharidosis Type IIIC (Sanfilippo Syndrome C) (e.g. Hrebicek_2006, Ghosh_2017). These data indicate that the variant may be associated with disease. Experimental evidence indicated deficient HGSNAT activity in leukocytes of a compound heterozygous patient with the variant (Ghosh_2017). A ClinVar submitter (evaluation after 2014) cites the variant as likely pathogenic. Based on the evidence outlined above, the variant was classified as likely pathogenic.

Counsyl
Classification: Likely pathogenic for Mucopolysaccharidosis, MPS-III-C. Last evaluated: 2017-08-22. Review status: no assertion criteria provided. Collection method: clinical testing. Allele origin: unknown. Not counted in ClinVar's aggregate classification.

Literature cited by the submitters: PubMed 17033958 (cited by 3 submitters); PubMed 19479962 (cited by Labcorp Genetics (formerly Invitae), Labcorp); PubMed 25859010 (cited by Labcorp Genetics (formerly Invitae), Labcorp); PubMed 28468868 (cited by Labcorp Genetics (formerly Invitae), Labcorp and Women's Health and Genetics/Laboratory Corporation of America, LabCorp).

NM_152419.3(HGSNAT):c.947G>A (p.Trp316Ter)

Gene: HGSNAT (heparan-alpha-glucosaminide N-acetyltransferase; plus strand). Cytogenetic location: 8p11.21.
Variant type: single nucleotide variant.
Coding change: c.947G>A on transcript NM_152419.3 (MANE Select); coding-DNA position 947, G replaced by A.
Protein change: p.Trp316Ter; replaces tryptophan 316 with a stop codon.
Molecular consequence: nonsense. On other transcripts: intron variant (1).
Genome position (GRCh38, 1-based): chr8:43,178,169, G>A. VCF-style: chr8-43178169-G-A. GRCh37 (hg19) VCF-style: chr8-43033312-G-A.
Other names: c.947G>A, p.Trp316Ter (NM_001363227.2); c.83G>A, p.Trp28Ter (NM_001363229.2); c.821-3976G>A (NM_001363228.2); short protein forms W316*, W28*.
Identifiers: ClinVar variation 553494 (VCV000553494.10), dbSNP rs1554533211, ClinGen allele CA371117205.